The following is an entry in ClinVar:

ClinVar aggregate classification (germline): Uncertain significance (0 of 4 stars; one submission).

Conditions:
ROBO2-related disorder. Also called: ROBO2-related condition.

Allele frequency attached by ClinVar (database versions not stated): ExAC 0.00006; TOPMed 0.00028; 1000 Genomes Project 0.00020; 1000 Genomes Project 30x 0.00031; gnomAD 0.00022.
gnomAD v4.1: 78 of 1,578,602 alleles (0.0049%); highest among the groups gnomAD compares: African/African-American, 0.075%; no homozygotes.

Submission:

PreventionGenetics, part of Exact Sciences
Classification: Uncertain significance for ROBO2-related condition. Last evaluated: 2023-11-29. Review status: no assertion criteria provided. Collection method: clinical testing. Allele origin: germline.
Comment: The ROBO2 c.41C>G variant is predicted to result in the amino acid substitution p.Thr14Arg. This variant corresponds to a precoding position in the primary transcript for this gene (NM_002942.4:c.-1103252C>G). To our knowledge, this variant has not been reported in the literature. This variant is reported in 0.040% of alleles in individuals of African descent in gnomAD; However, the quality of data at this position is questionable and should be interpreted with caution. At this time, the clinical significance of this variant is uncertain due to the absence of conclusive functional and genetic evidence.

NM_001128929.3(ROBO2):c.41C>G (p.Thr14Arg)

Gene: ROBO2 (roundabout guidance receptor 2; plus strand). Cytogenetic location: 3p12.3.
Variant type: single nucleotide variant.
Coding change: c.41C>G on transcript NM_001128929.3; coding-DNA position 41, C replaced by G.
Protein change: p.Thr14Arg; replaces threonine 14 with arginine.
Molecular consequence: missense variant.
Genome position (GRCh38, 1-based): chr3:75,937,534, C>G. VCF-style: chr3-75937534-C-G. GRCh37 (hg19) VCF-style: chr3-75986685-C-G.
Other names: c.41C>G, p.Thr14Arg (NM_001378190.1, NM_001378191.1, NM_001378195.1 and 4 more transcripts); short protein forms T14R.
Identifiers: ClinVar variation 3054800 (VCV003054800.2), dbSNP rs540331749, ClinGen allele CA77722762.
Genomic context (GRCh38, chr3:75,937,534, plus strand): 5'-TATGCAGAGTTTAAGATGCAATGGCCAGAAGACATGAACGTGTCACTAGAAGGATGTGGA[C>G]ATGGGCTCCGGGACTGTTGATGATGACTGTGGTGTTTTGGGGTCATCAGGGGAATGGACA-3'